The following is an entry in ClinVar:

NM_000051.4(ATM):c.5506G>A (p.Asp1836Asn)

Gene: ATM (ATM serine/threonine kinase; plus strand). Cytogenetic location: 11q22.3.
Variant type: single nucleotide variant.
Coding change: c.5506G>A on transcript NM_000051.4 (MANE Select); coding-DNA position 5506, G replaced by A.
Protein change: p.Asp1836Asn; replaces aspartic acid 1836 with asparagine.
Molecular consequence: missense variant.
Genome position (GRCh38, 1-based): chr11:108,304,684, G>A. VCF-style: chr11-108304684-G-A. GRCh37 (hg19) VCF-style: chr11-108175411-G-A.
Other names: c.5506G>A, p.Asp1836Asn (NM_001351834.2); short protein forms D1836N.
Identifiers: ClinVar variation 1051037 (VCV001051037.10), dbSNP rs2135942560, ClinGen allele CA382545687.
Genomic context (GRCh38, chr11:108,304,684, plus strand): 5'-TTTTACTCATTTTTACTCAAACTATTGGGTGGATTTGTTTGTATATTCTAGGTGAAAACT[G>A]ACTTTTGTCAGACTGTACTTCCATACTTGATTCATGATATTTTACTCCAAGATACAAATG-3'
Protein context (NP_000042.3, residues 1826-1846): LLKPMCEVKT[Asp1836Asn]FCQTVLPYLI

ClinVar aggregate classification (germline): Uncertain significance. Review status: criteria provided, multiple submitters, no conflicts (2 of 4 stars). 2 submissions from 2 submitters: Uncertain significance (2). Last evaluated 2024-10-09.

Conditions:
Ataxia-telangiectasia syndrome (AT). Also called: ATAXIA-TELANGIECTASIA, FRESNO VARIANT; Ataxia-telangiectasia, complementation group E; ATAXIA-TELANGIECTASIA, COMPLEMENTATION GROUP A; LOUIS-BAR SYNDROME; Ataxia-telangiectasia, complementation group D; AT, COMPLEMENTATION GROUP C. Identifiers: Orphanet 100, MedGen C0004135, MONDO:0008840, OMIM 208900.
Familial cancer of breast. Also called: hereditary breast carcinoma; Hereditary breast cancer; BREAST CANCER, FAMILIAL. Identifiers: Orphanet 227535, MedGen C0346153, MONDO:0016419, OMIM 114480. Disease mechanism: loss of function.

Submissions (2):

Labcorp Genetics (formerly Invitae), Labcorp
Classification: Uncertain significance for Ataxia-telangiectasia syndrome. Last evaluated: 2024-10-09. Review status: criteria provided, single submitter. Criteria: Invitae Variant Classification Sherloc (09022015). Collection method: clinical testing. Allele origin: germline.
Comment: This sequence change replaces aspartic acid, which is acidic and polar, with asparagine, which is neutral and polar, at codon 1836 of the ATM protein (p.Asp1836Asn). This variant is not present in population databases (gnomAD no frequency). This variant has not been reported in the literature in individuals affected with ATM-related conditions. ClinVar contains an entry for this variant (Variation ID: 1051037). Invitae Evidence Modeling of protein sequence and biophysical properties (such as structural, functional, and spatial information, amino acid conservation, physicochemical variation, residue mobility, and thermodynamic stability) indicates that this missense variant is not expected to disrupt ATM protein function with a negative predictive value of 95%. In summary, the available evidence is currently insufficient to determine the role of this variant in disease. Therefore, it has been classified as a Variant of Uncertain Significance.

Baylor Genetics
Classification: Uncertain significance for Familial cancer of breast. Last evaluated: 2023-11-28. Review status: criteria provided, single submitter. Criteria: ACMG Guidelines, 2015. Collection method: clinical testing. Allele origin: unknown.